The following is an entry in ClinVar:

NM_004186.5(SEMA3F):c.2290C>T (p.Pro764Ser)

Gene: SEMA3F (semaphorin 3F; plus strand). Cytogenetic location: 3p21.31.
Variant type: single nucleotide variant.
Coding change: c.2290C>T on transcript NM_004186.5 (MANE Select); coding-DNA position 2290, C replaced by T.
Protein change: p.Pro764Ser; replaces proline 764 with serine.
Molecular consequence: missense variant.
Genome position (GRCh38, 1-based): chr3:50,188,047, C>T. VCF-style: chr3-50188047-C-T. GRCh37 (hg19) VCF-style: chr3-50225480-C-T.
Other names: c.1993C>T, p.Pro665Ser (NM_001318798.2); c.2197C>T, p.Pro733Ser (NM_001318800.2); short protein forms P665S, P733S, P764S.
Identifiers: ClinVar variation 2635917 (VCV002635917.1), dbSNP rs779219725, ClinGen allele CA2412381.

ClinVar aggregate classification (germline): Uncertain significance (1 of 4 stars; one submission).

Conditions:
SEMA3F-related disorder. Also called: SEMA3F-related condition.

Allele frequency attached by ClinVar (database versions not stated): TOPMed below 0.00001; gnomAD 0.00001; gnomAD exomes 0.00001.

Submission:

PreventionGenetics, part of Exact Sciences
Classification: Uncertain significance for SEMA3F-related condition. Last evaluated: 2022-10-16. Review status: criteria provided, single submitter. Criteria: ACMG Guidelines, 2015. Collection method: clinical testing. Allele origin: germline.
Comment: The SEMA3F c.2290C>T variant is predicted to result in the amino acid substitution p.Pro764Ser. To our knowledge, this variant has not been reported in the literature. This variant is reported in 0.0065% of alleles in individuals of East Asian descent in gnomAD. At this time, the clinical significance of this variant is uncertain due to the absence of conclusive functional and genetic evidence.